The following is an entry in ClinVar:

NM_205861.3(DHDDS):c.284A>G (p.Asp95Gly)

Gene: DHDDS (dehydrodolichyl diphosphate synthase subunit; plus strand). Cytogenetic location: 1p36.11.
Variant type: single nucleotide variant.
Coding change: c.284A>G on transcript NM_205861.3 (MANE Select); coding-DNA position 284, A replaced by G.
Protein change: p.Asp95Gly; replaces aspartic acid 95 with glycine.
Molecular consequence: missense variant.
Genome position (GRCh38, 1-based): chr1:26,442,834, A>G. VCF-style: chr1-26442834-A-G. GRCh37 (hg19) VCF-style: chr1-26769325-A-G.
Other names: c.284A>G, p.Asp95Gly (NM_001243564.2, NM_001243565.2, NM_024887.4); c.5A>G, p.Asp2Gly (NM_001319959.2); short protein forms D2G, D95G.
Identifiers: ClinVar variation 1800695 (VCV001800695.1), dbSNP rs1299843641, ClinGen allele CA339140491.

ClinVar aggregate classification (germline): Uncertain significance (1 of 4 stars; one submission).

Submission:

GeneDx
Classification: Uncertain significance. Last evaluated: 2022-05-17. Review status: criteria provided, single submitter. Criteria: GeneDx Variant Classification Process June 2021. Collection method: clinical testing. Allele origin: germline. Affected: yes.
Comment: Not observed at significant frequency in large population cohorts (gnomAD); In silico analysis supports that this missense variant has a deleterious effect on protein structure/function; Has not been previously published as pathogenic or benign to our knowledge